The following is an entry in ClinVar:

NM_006267.5(RANBP2):c.2582T>C (p.Phe861Ser)

Gene: RANBP2 (RAN binding protein 2; plus strand). Cytogenetic location: 2q13.
Variant type: single nucleotide variant.
Coding change: c.2582T>C on transcript NM_006267.5 (MANE Select); coding-DNA position 2582, T replaced by C.
Protein change: p.Phe861Ser; replaces phenylalanine 861 with serine.
Molecular consequence: missense variant.
Genome position (GRCh38, 1-based): chr2:108,758,528, T>C. VCF-style: chr2-108758528-T-C. GRCh37 (hg19) VCF-style: chr2-109374984-T-C.
Other names: c.2582T>C, p.Phe861Ser (NM_001415871.1, NM_001415873.1); c.2579T>C, p.Phe860Ser (NM_001415872.1); short protein forms F860S, F861S.
Identifiers: ClinVar variation 4282480 (VCV004282480.1).

ClinVar aggregate classification (germline): Uncertain significance (1 of 4 stars; one submission).

Submission:

GeneDx
Classification: Uncertain significance. Last evaluated: 2025-04-14. Review status: criteria provided, single submitter. Criteria: GeneDx Variant Classification Process June 2021. Collection method: clinical testing. Allele origin: germline. Affected: yes.
Comment: Not observed at significant frequency in large population cohorts (gnomAD); In silico analysis supports that this missense variant has a deleterious effect on protein structure/function; Has not been previously published as pathogenic or benign to our knowledge